The following is an entry in ClinVar:

NM_001242896.3(DEPDC5):c.2091C>G (p.Ser697Arg)

Gene: DEPDC5 (DEP domain containing 5, GATOR1 subcomplex subunit; plus strand). Cytogenetic location: 22q12.3.
Variant type: single nucleotide variant.
Coding change: c.2091C>G on transcript NM_001242896.3 (MANE Select); coding-DNA position 2091, C replaced by G.
Protein change: p.Ser697Arg; replaces serine 697 with arginine.
Molecular consequence: missense variant. On other transcripts: non-coding transcript variant (4), intron variant (3).
Genome position (GRCh38, 1-based): chr22:31,822,777, C>G. VCF-style: chr22-31822777-C-G. GRCh37 (hg19) VCF-style: chr22-32218763-C-G.
Other names: c.2091C>G, p.Ser697Arg (NM_001136029.4, NM_001363852.2, NM_001364318.2 and 3 more transcripts); c.2007C>G, p.Ser669Arg (NM_001369901.1, NM_001369902.1); c.1870+3552C>G (NM_001363854.2, NM_001242897.2, NM_001364319.2); short protein forms S669R, S697R.
Identifiers: ClinVar variation 4723794 (VCV004723794.1).
Genomic context (GRCh38, chr22:31,822,777, plus strand): 5'-TGACGGCATGTCCTTCTTGAACTTCAGTGGAACAGAGGAGCTTTCTGTCGGCCTGCTTAG[C>G]AACAGTGGTGCAGGTAACCAATCCAAGAGGTAATAGAGTTGGGATGTTTAGATCAGGCTC-3'
Protein context (NP_001229825.1, residues 687-707): GTEELSVGLL[Ser697Arg]NSGAGMNPRT

ClinVar aggregate classification (germline): Uncertain significance (1 of 4 stars; one submission).

Conditions:
Familial focal epilepsy with variable foci (FPEVF). Identifiers: Orphanet 98820, MedGen C1858477, MONDO:0020310.

Submission:

Labcorp Genetics (formerly Invitae), Labcorp
Classification: Uncertain significance for Familial focal epilepsy with variable foci. Last evaluated: 2025-07-22. Review status: criteria provided, single submitter. Criteria: Invitae Variant Classification Sherloc (09022015). Collection method: clinical testing. Allele origin: germline.
Comment: This sequence change replaces serine, which is neutral and polar, with arginine, which is basic and polar, at codon 697 of the DEPDC5 protein (p.Ser697Arg). This variant is not present in population databases (gnomAD no frequency). This variant has not been reported in the literature in individuals affected with DEPDC5-related conditions. Experimental studies and prediction algorithms are not available or were not evaluated, and the functional significance of this variant is currently unknown. In summary, the available evidence is currently insufficient to determine the role of this variant in disease. Therefore, it has been classified as a Variant of Uncertain Significance.